The following is an entry in ClinVar:

ClinVar aggregate classification (germline): Likely pathogenic (1 of 4 stars; one submission).

Conditions:
beta Thalassemia (BTHAL). Also called: Cooley's anemia; Erythroblastic anemia; Mediterranean anemia. Identifiers: Orphanet 848, MedGen C0005283, MONDO:0019402. Disease mechanism: loss of function.

Submission:

Natera, Inc.
Classification: Likely pathogenic for Beta thalassemia. Last evaluated: 2026-01-11. Review status: criteria provided, single submitter. Criteria: Natera Variant Classification Schema (03/2026). Collection method: clinical testing. Allele origin: germline.
Comment: The c.55del variant in HBB is a frameshift variant predicted to shift the reading frame and introduce a stop codon. This variant is expected to result in nonsense mediated decay, truncation, or a dysfunctional protein product. This variant is rare in the general population with a frequency below the threshold expected for the associated phenotype(s). Given the available evidence, this variant is classified as Likely Pathogenic.

NM_000518.5(HBB):c.55del (p.Lys18_Val19insTer)

Genes: HBB (hemoglobin subunit beta; minus strand), LOC106099062 (HBB recombination region; plus strand), LOC107133510 (origin of replication at HBB; plus strand). Cytogenetic location: 11p15.4.
Variant type: Deletion.
Coding change: c.55del on transcript NM_000518.5 (MANE Select); coding-DNA position 55, one base deleted (G; older notation c.55delG).
Protein change: p.Lys18_Val19insTer.
Molecular consequence: nonsense.
Genome position (GRCh38, 1-based): chr11:5,226,967, C deleted on the plus strand (G on the coding strand, the reverse complement: HBB is on the minus strand); the first of 2 consecutive C bases (chr11:5,226,967-5,226,968); deleting either gives the same sequence. VCF-style (leftmost placement, unchanged base first): chr11-5226966-AC-A. GRCh37 (hg19) VCF-style: chr11-5248196-AC-A.
Identifiers: ClinVar variation 4818705 (VCV004818705.1).